The following is an entry in ClinVar:

ClinVar aggregate classification (germline): Pathogenic (1 of 4 stars; one submission).

Conditions:
Juvenile polyposis syndrome (JPS). Identifiers: Orphanet 2929, MedGen C0345893, MONDO:0017380, OMIM 174900.

Submission:

Myriad Genetics, Inc.
Classification: Pathogenic for Juvenile polyposis syndrome. Last evaluated: 2023-05-26. Review status: criteria provided, single submitter. Criteria: Myriad Autosomal Dominant, Autosomal Recessive and X-Linked Classification Criteria (2023). Collection method: clinical testing. Allele origin: unknown.
Comment: This variant is considered pathogenic. This variant creates a frameshift predicted to result in premature protein truncation.

NM_004329.3(BMPR1A):c.1254del (p.Asn418fs)

Gene: BMPR1A (bone morphogenetic protein receptor type 1A; plus strand). Cytogenetic location: 10q23.2.
Variant type: Deletion.
Coding change: c.1254del on transcript NM_004329.3 (MANE Select); coding-DNA position 1254, one base deleted (C; older notation c.1254delC).
Protein change: p.Asn418fs; shifts the reading frame from asparagine 418.
Molecular consequence: frameshift variant. On other transcripts: non-coding transcript variant (3).
Genome position (GRCh38, 1-based): chr10:86,921,607, C deleted. VCF-style (leftmost placement, unchanged base first): chr10-86921606-AC-A. GRCh37 (hg19) VCF-style: chr10-88681363-AC-A.
Other names: c.1329del, p.Asn443fs (NM_001406559.1); c.1302del, p.Asn434fs (NM_001406560.1); c.1254del, p.Asn418fs (NM_001406561.1, NM_001406562.1, NM_001406563.1 and 19 more transcripts); c.1170del, p.Asn390fs (NM_001406584.1, NM_001406585.1, NM_001406586.1 and 2 more transcripts); c.912del, p.Asn304fs (NM_001406589.1); c.1248del, p.Asn416fs (NM_001406583.1); short protein forms N304fs, N390fs, N416fs, N418fs, N434fs, N443fs.
Identifiers: ClinVar variation 2584064 (VCV002584064.2), dbSNP rs2539637091, ClinGen allele CA2582342694.
Genomic context (GRCh38, chr10:86,921,606, plus strand): 5'-TGAATACCAGGGTGGGCACCAAACGCTACATGGCTCCCGAAGTGCTGGACGAAAGCCTGA[AC>A]AAAAACCACTTCCAGCCCTACATCATGGCTGACATCTACAGCTTCGGCCTAATCATTTGG-3'